The following is an entry in ClinVar:

ClinVar aggregate classification (germline): Uncertain significance. Review status: criteria provided, multiple submitters, no conflicts (2 of 4 stars). 3 submissions from 3 submitters: Uncertain significance (3). Last evaluated 2026-03-26.

Conditions:
Hereditary cancer-predisposing syndrome. Also called: Hereditary Cancer Syndrome; Neoplastic Syndromes, Hereditary; Tumor predisposition; Hereditary neoplastic syndrome. Identifiers: Orphanet 140162, MedGen C0027672, MeSH D009386, MONDO:0015356.
Neuroblastoma, susceptibility to, 3. Also called: ALK-Related Neuroblastic Tumor Susceptibility. Identifiers: Orphanet 635, MedGen C2751681, MONDO:0013083, OMIM 613014.

Allele frequency attached by ClinVar (database versions not stated): gnomAD exomes below 0.00001.
gnomAD v4.1: 1 of 1,614,174 alleles (0.000062%); highest among the groups gnomAD compares: Middle Eastern, 0.016%; no homozygotes.

Submissions (3):

Ambry Genetics
Classification: Uncertain significance for Hereditary cancer-predisposing syndrome. Last evaluated: 2026-03-26. Review status: criteria provided, single submitter. Criteria: Ambry Variant Classification Scheme 2023. Collection method: clinical testing. Allele origin: germline.
Comment: The p.L1550P variant (also known as c.4649T>C), located in coding exon 29 of the ALK gene, results from a T to C substitution at nucleotide position 4649. The leucine at codon 1550 is replaced by proline, an amino acid with similar properties. This amino acid position is conserved. In addition, this alteration is predicted to be tolerated by in silico analysis. Based on the available evidence, the clinical significance of this variant remains unclear.

Labcorp Genetics (formerly Invitae), Labcorp
Classification: Uncertain significance for Neuroblastoma, susceptibility to, 3. Last evaluated: 2025-02-10. Review status: criteria provided, single submitter. Criteria: Invitae Variant Classification Sherloc (09022015). Collection method: clinical testing. Allele origin: germline.
Comment: This sequence change replaces leucine, which is neutral and non-polar, with proline, which is neutral and non-polar, at codon 1550 of the ALK protein (p.Leu1550Pro). This variant is not present in population databases (gnomAD no frequency). This variant has not been reported in the literature in individuals affected with ALK-related conditions. ClinVar contains an entry for this variant (Variation ID: 1000122). An algorithm developed to predict the effect of missense changes on protein structure and function (PolyPhen-2) suggests that this variant is likely to be disruptive. In summary, the available evidence is currently insufficient to determine the role of this variant in disease. Therefore, it has been classified as a Variant of Uncertain Significance.

Baylor Genetics
Classification: Uncertain significance for Neuroblastoma, susceptibility to, 3. Last evaluated: 2023-06-28. Review status: criteria provided, single submitter. Criteria: ACMG Guidelines, 2015. Collection method: clinical testing. Allele origin: unknown.

NM_004304.5(ALK):c.4649T>C (p.Leu1550Pro)

Gene: ALK (ALK receptor tyrosine kinase; minus strand). Cytogenetic location: 2p23.2.
Variant type: single nucleotide variant.
Coding change: c.4649T>C on transcript NM_004304.5 (MANE Select); coding-DNA position 4649, T replaced by C.
Protein change: p.Leu1550Pro; replaces leucine 1550 with proline.
Molecular consequence: missense variant.
Genome position (GRCh38, 1-based): chr2:29,193,438, A>G on the plus strand (T>C on the coding strand, the complement: ALK is on the minus strand). VCF-style: chr2-29193438-A-G. GRCh37 (hg19) VCF-style: chr2-29416304-A-G.
Other names: c.1445T>C, p.Leu482Pro (NM_001353765.2); c.4649T>C (NM_004304.4); short protein forms L1550P, L482P.
Identifiers: ClinVar variation 1000122 (VCV001000122.8), dbSNP rs1668930030, ClinGen allele CA346460525.
Genomic context (GRCh38, chr2:29,193,438, plus strand): 5'-GGTACCTCCTTCATATTGGCAGTCAGCGAAGAGGGCTCTAGGAGCAGTGAGGCCCCCGGA[A>G]GTCTCCCAGTTGCAACGTTAGGTGGGACAGTACAGCTTCCCTCCAGCCCCAGGTTACCCC-3'
Protein context (NP_004295.2, residues 1540-1560): TVPPNVATGR[Leu1550Pro]PGASLLLEPS